The following is an entry in ClinVar:

ClinVar aggregate classification (germline): Uncertain significance (1 of 4 stars; one submission).

Allele frequency attached by ClinVar (database versions not stated): TOPMed 0.00001.
gnomAD v4.1: 1 of 1,613,986 alleles (0.000062%); highest among the groups gnomAD compares: Admixed American, 0.0017%; no homozygotes.

Submission:

Labcorp Genetics (formerly Invitae), Labcorp
Classification: Uncertain significance. Last evaluated: 2024-01-30. Review status: criteria provided, single submitter. Criteria: Invitae Variant Classification Sherloc (09022015). Collection method: clinical testing. Allele origin: germline.
Comment: This sequence change replaces threonine, which is neutral and polar, with isoleucine, which is neutral and non-polar, at codon 2156 of the KMT2A protein (p.Thr2156Ile). This variant is not present in population databases (gnomAD no frequency). This variant has not been reported in the literature in individuals affected with KMT2A-related conditions. Advanced modeling of protein sequence and biophysical properties (such as structural, functional, and spatial information, amino acid conservation, physicochemical variation, residue mobility, and thermodynamic stability) performed at Invitae indicates that this missense variant is not expected to disrupt KMT2A protein function with a negative predictive value of 95%. In summary, the available evidence is currently insufficient to determine the role of this variant in disease. Therefore, it has been classified as a Variant of Uncertain Significance.

NM_001197104.2(KMT2A):c.6467C>T (p.Thr2156Ile)

Gene: KMT2A (lysine methyltransferase 2A; plus strand). Cytogenetic location: 11q23.3.
Variant type: single nucleotide variant.
Coding change: c.6467C>T on transcript NM_001197104.2 (MANE Select); coding-DNA position 6467, C replaced by T.
Protein change: p.Thr2156Ile; replaces threonine 2156 with isoleucine.
Molecular consequence: missense variant.
Genome position (GRCh38, 1-based): chr11:118,501,819, C>T. VCF-style: chr11-118501819-C-T. GRCh37 (hg19) VCF-style: chr11-118372534-C-T.
Other names: c.6557C>T, p.Thr2186Ile (NM_001412597.1); c.6458C>T, p.Thr2153Ile (NM_005933.4); short protein forms T2156I, T2186I, T2153I.
Identifiers: ClinVar variation 2720210 (VCV002720210.3), dbSNP rs782424796, ClinGen allele CA382801948.